The following is an entry in ClinVar:

ClinVar aggregate classification (germline): Uncertain significance (1 of 4 stars; one submission).

Conditions:
Juvenile polyposis syndrome (JPS). Identifiers: Orphanet 2929, MedGen C0345893, MONDO:0017380, OMIM 174900.

Submission:

Labcorp Genetics (formerly Invitae), Labcorp
Classification: Uncertain significance for Juvenile polyposis syndrome. Last evaluated: 2023-10-06. Review status: criteria provided, single submitter. Criteria: Invitae Variant Classification Sherloc (09022015). Collection method: clinical testing. Allele origin: germline.
Comment: This sequence change replaces tryptophan, which is neutral and slightly polar, with arginine, which is basic and polar, at codon 302 of the SMAD4 protein (p.Trp302Arg). This variant is not present in population databases (gnomAD no frequency). This variant has not been reported in the literature in individuals affected with SMAD4-related conditions. An algorithm developed to predict the effect of missense changes on protein structure and function (PolyPhen-2) suggests that this variant is likely to be tolerated. In summary, the available evidence is currently insufficient to determine the role of this variant in disease. Therefore, it has been classified as a Variant of Uncertain Significance.

NM_005359.6(SMAD4):c.904T>A (p.Trp302Arg)

Gene: SMAD4 (SMAD family member 4; plus strand). Cytogenetic location: 18q21.2.
Variant type: single nucleotide variant.
Coding change: c.904T>A on transcript NM_005359.6 (MANE Select); coding-DNA position 904, T replaced by A.
Protein change: p.Trp302Arg; replaces tryptophan 302 with arginine.
Molecular consequence: missense variant. On other transcripts: non-coding transcript variant (2).
Genome position (GRCh38, 1-based): chr18:51,058,456, T>A. VCF-style: chr18-51058456-T-A. GRCh37 (hg19) VCF-style: chr18-48584826-T-A.
Other names: c.904T>A, p.Trp302Arg (NM_001407041.1, NM_001407042.1, NM_001407043.1); short protein forms W302R.
Identifiers: ClinVar variation 2763821 (VCV002763821.3), dbSNP rs1555685979, ClinGen allele CA402463619.